The following is an entry in ClinVar:

NM_005529.7(HSPG2):c.599C>T (p.Thr200Met)

Gene: HSPG2 (heparan sulfate proteoglycan 2; minus strand). Cytogenetic location: 1p36.12.
Variant type: single nucleotide variant.
Coding change: c.599C>T on transcript NM_005529.7 (MANE Select); coding-DNA position 599, C replaced by T.
Protein change: p.Thr200Met; replaces threonine 200 with methionine.
Molecular consequence: missense variant.
Genome position (GRCh38, 1-based): chr1:21,888,042, G>A on the plus strand (C>T on the coding strand, the complement: HSPG2 is on the minus strand). VCF-style: chr1-21888042-G-A. GRCh37 (hg19) VCF-style: chr1-22214535-G-A.
Other names: c.599C>T, p.Thr200Met (NM_001291860.2); short protein forms T200M.
Identifiers: ClinVar variation 876913 (VCV000876913.14), dbSNP rs201288550, ClinGen allele CA673755.

ClinVar aggregate classification (germline): Uncertain significance. Review status: criteria provided, multiple submitters, no conflicts (2 of 4 stars). 5 submissions from 4 submitters: Uncertain significance (5). Last evaluated 2025-03-17.

Conditions:
Inborn genetic diseases. Identifiers: MedGen C0950123, MeSH D030342.
Lethal Kniest-like syndrome (DDSH). Also called: Dyssegmental Dysplasia. Identifiers: Orphanet 1865, MedGen C1857100, MONDO:0009140, OMIM 224410.
Schwartz-Jampel syndrome. Also called: Myotonic myopathy dwarfism chondrodystrophy and ocular and facial abnormalities. Identifiers: Orphanet 800, MedGen C0036391, MONDO:0009717.

Allele frequency attached by ClinVar (database versions not stated): gnomAD 0.00004 and 0.00005; TOPMed 0.00004; gnomAD exomes 0.00008 and 0.00012; 1000 Genomes Project 30x 0.00016; ExAC 0.00017; 1000 Genomes Project 0.00020.
gnomAD v4.1: 122 of 1,614,104 alleles (0.0076%); highest among the groups gnomAD compares: South Asian, 0.085%; 1 homozygote.

Submissions (5):

Labcorp Genetics (formerly Invitae), Labcorp
Classification: Uncertain significance. Last evaluated: 2025-03-17. Review status: criteria provided, single submitter. Criteria: Invitae Variant Classification Sherloc (09022015). Collection method: clinical testing. Allele origin: germline.
Comment: This sequence change replaces threonine, which is neutral and polar, with methionine, which is neutral and non-polar, at codon 200 of the HSPG2 protein (p.Thr200Met). This variant is present in population databases (rs201288550, gnomAD 0.07%). This variant has not been reported in the literature in individuals affected with HSPG2-related conditions. ClinVar contains an entry for this variant (Variation ID: 876913). An algorithm developed to predict the effect of missense changes on protein structure and function (PolyPhen-2) suggests that this variant is likely to be disruptive. In summary, the available evidence is currently insufficient to determine the role of this variant in disease. Therefore, it has been classified as a Variant of Uncertain Significance.

Ambry Genetics
Classification: Uncertain significance for Inborn genetic diseases. Last evaluated: 2024-03-31. Review status: criteria provided, single submitter. Criteria: Ambry Variant Classification Scheme 2023. Collection method: clinical testing. Allele origin: germline.

Revvity Omics, Revvity
Classification: Uncertain significance. Last evaluated: 2022-07-27. Review status: criteria provided, single submitter. Criteria: ACMG Guidelines, 2015. Collection method: clinical testing. Allele origin: germline.

Illumina Laboratory Services, Illumina
Classification: Uncertain significance for Schwartz-Jampel syndrome type 1. Last evaluated: 2018-01-13. Review status: criteria provided, single submitter. Criteria: ICSL Variant Classification Criteria 13 December 2019. Collection method: clinical testing. Allele origin: germline.

Illumina Laboratory Services, Illumina
Classification: Uncertain significance for Lethal Kniest-like syndrome. Last evaluated: 2018-01-13. Review status: criteria provided, single submitter. Criteria: ICSL Variant Classification Criteria 13 December 2019. Collection method: clinical testing. Allele origin: germline.